The following is an entry in ClinVar:

NM_001042492.3(NF1):c.1853A>G (p.Asp618Gly)

Gene: NF1 (neurofibromin 1; plus strand). Cytogenetic location: 17q11.2.
Variant type: single nucleotide variant.
Coding change: c.1853A>G on transcript NM_001042492.3 (MANE Select); coding-DNA position 1853, A replaced by G.
Protein change: p.Asp618Gly; replaces aspartic acid 618 with glycine.
Molecular consequence: missense variant.
Genome position (GRCh38, 1-based): chr17:31,225,102, A>G. VCF-style: chr17-31225102-A-G. GRCh37 (hg19) VCF-style: chr17-29552120-A-G.
Other names: c.1853A>G, p.Asp618Gly (NM_000267.4); short protein forms D618G.
Identifiers: ClinVar variation 2703431 (VCV002703431.3), dbSNP rs2066989510, ClinGen allele CA399005031.

ClinVar aggregate classification (germline): Uncertain significance (1 of 4 stars; one submission).

Conditions:
Neurofibromatosis, type 1 (NF1). Also called: Peripheral type neurofibromatosis; VON RECKLINGHAUSEN DISEASE; Neurofibromatosis, type I; NEUROFIBROMATOSIS, TYPE I, SOMATIC. Identifiers: Orphanet 636, MedGen C0027831, MONDO:0018975, OMIM 162200. Disease mechanism: loss of function.

gnomAD v4.1: 1 of 1,613,608 alleles (0.000062%); no homozygotes.

Submission:

Labcorp Genetics (formerly Invitae), Labcorp
Classification: Uncertain significance for Neurofibromatosis, type 1. Last evaluated: 2024-08-27. Review status: criteria provided, single submitter. Criteria: Invitae Variant Classification Sherloc (09022015). Collection method: clinical testing. Allele origin: germline.
Comment: This sequence change replaces aspartic acid, which is acidic and polar, with glycine, which is neutral and non-polar, at codon 618 of the NF1 protein (p.Asp618Gly). This variant is not present in population databases (gnomAD no frequency). This variant has not been reported in the literature in individuals affected with NF1-related conditions. Invitae Evidence Modeling of protein sequence and biophysical properties (such as structural, functional, and spatial information, amino acid conservation, physicochemical variation, residue mobility, and thermodynamic stability) indicates that this missense variant is not expected to disrupt NF1 protein function with a negative predictive value of 95%. Algorithms developed to predict the effect of sequence changes on RNA splicing suggest that this variant may disrupt the consensus splice site. In summary, the available evidence is currently insufficient to determine the role of this variant in disease. Therefore, it has been classified as a Variant of Uncertain Significance.